The following is an entry in ClinVar:

ClinVar aggregate classification (germline): Conflicting classifications of pathogenicity. Review status: criteria provided, conflicting classifications (1 of 4 stars). 2 submissions from 2 submitters: Uncertain significance (1); Likely benign (1). Last evaluated 2026-05-13.

Conditions:
RAI1-related disorder. Also called: RAI1-related condition.

Allele frequency attached by ClinVar (database versions not stated): TOPMed below 0.00001; ExAC 0.00001; gnomAD 0.00001; gnomAD exomes 0.00001.
gnomAD v4.1: 18 of 1,613,838 alleles (0.0011%); highest among the groups gnomAD compares: East Asian, 0.0067%; no homozygotes.

Submissions (2):

PreventionGenetics, part of Exact Sciences
Classification: Uncertain significance for RAI1-related condition. Last evaluated: 2026-05-13. Review status: criteria provided, single submitter. Criteria: ACMG Guidelines, 2015. Collection method: clinical testing. Allele origin: germline.
Comment: The RAI1 c.1079C>T variant is predicted to result in the amino acid substitution p.Pro360Leu. To our knowledge, this variant has not been reported in the literature. This variant is reported in 0.020% of alleles in individuals of East Asian descent in gnomAD, which may be too frequent to be a primary cause of disease. Although we suspect that this variant may be benign, at this time, the clinical significance of this variant is uncertain due to the absence of conclusive functional and genetic evidence.

Labcorp Genetics (formerly Invitae), Labcorp
Classification: Likely benign. Last evaluated: 2025-07-04. Review status: criteria provided, single submitter. Criteria: Invitae Variant Classification Sherloc (09022015). Collection method: clinical testing. Allele origin: germline.

NM_030665.4(RAI1):c.1079C>T (p.Pro360Leu)

Gene: RAI1 (retinoic acid induced 1; plus strand). Cytogenetic location: 17p11.2.
Variant type: single nucleotide variant.
Coding change: c.1079C>T on transcript NM_030665.4 (MANE Select); coding-DNA position 1079, C replaced by T.
Protein change: p.Pro360Leu; replaces proline 360 with leucine.
Molecular consequence: missense variant.
Genome position (GRCh38, 1-based): chr17:17,794,027, C>T. VCF-style: chr17-17794027-C-T. GRCh37 (hg19) VCF-style: chr17-17697341-C-T.
Other names: c.1079C>T (NM_030665.3); short protein forms P360L.
Identifiers: ClinVar variation 2042716 (VCV002042716.5), dbSNP rs774872996, ClinGen allele CA8418264.
Genomic context (GRCh38, chr17:17,794,027, plus strand): 5'-CCAGCTCCAGCCACTCACCCGCCCGCTCCGTGGGCCGCTCACCTTCCTACAGTTCCACAC[C>T]GTCGCCGCTGATGCCAAACCTGGAGAACTTTCCCTACAGCCAGCAGCCGCTCAGCACCGG-3'
Protein context (NP_109590.3, residues 350-370): VGRSPSYSST[Pro360Leu]SPLMPNLENF